The following is an entry in ClinVar:

ClinVar aggregate classification (germline): Uncertain significance. Review status: criteria provided, single submitter (1 of 4 stars). 2 submissions from 2 submitters: Uncertain significance (1). 1 of the submissions does not count toward it. Last evaluated 2023-10-20.

Allele frequency attached by ClinVar (database versions not stated): ExAC 0.00001; gnomAD 0.00001; gnomAD exomes 0.00001; TOPMed 0.00001.
gnomAD v4.1: 65 of 1,613,472 alleles (0.004%); highest among the groups gnomAD compares: Non-Finnish European, 0.0055%; no homozygotes.

Submissions (2):

GeneDx
Classification: Uncertain significance. Last evaluated: 2023-10-20. Review status: criteria provided, single submitter. Criteria: GeneDx Variant Classification Process June 2021. Collection method: clinical testing. Allele origin: germline. Affected: yes.
Comment: Not observed at significant frequency in large population cohorts (gnomAD); In silico analysis supports that this missense variant has a deleterious effect on protein structure/function; Has not been previously published as pathogenic or benign to our knowledge

Department of Pathology and Laboratory Medicine, Sinai Health System
Classification: Uncertain significance. Review status: no assertion criteria provided. Collection method: clinical testing. Allele origin: unknown. Affected: yes. Study: The Canadian Open Genetics Repository (COGR). Not counted in ClinVar's aggregate classification.
Comment: The MYH14 p.Asp387Asn variant was not identified in the literature nor was it identified in the ClinVar, Cosmic, MutDB or LOVD 3.0 databases. The variant was identified in dbSNP (ID: rs771031207) and in control databases in 4 of 278932 chromosomes at a frequency of 0.000014 (Genome Aggregation Database Feb 27, 2017). The variant was observed in the following population: European (non-Finnish) in 4 of 127124 chromosomes (freq: 0.000031); it was not observed in the African, Latino, Ashkenazi Jewish, East Asian, European (Finnish), Other, and South Asian populations. The p.Asp387 residue is conserved in mammals however computational analyses (PolyPhen-2, SIFT, AlignGVGD, BLOSUM, MutationTaster) provide inconsistent predictions regarding the impact to the protein; this information is not very predictive of pathogenicity. In summary, based on the above information the clinical significance of this variant cannot be determined with certainty at this time. This variant is classified as a variant of uncertain significance.

NM_001145809.2(MYH14):c.1183G>A (p.Asp395Asn)

Gene: MYH14 (myosin heavy chain 14; plus strand). Cytogenetic location: 19q13.33.
Variant type: single nucleotide variant.
Coding change: c.1183G>A on transcript NM_001145809.2 (MANE Select); coding-DNA position 1183, G replaced by A.
Protein change: p.Asp395Asn; replaces aspartic acid 395 with asparagine.
Molecular consequence: missense variant.
Genome position (GRCh38, 1-based): chr19:50,244,310, G>A. VCF-style: chr19-50244310-G-A. GRCh37 (hg19) VCF-style: chr19-50747567-G-A.
Other names: c.1183G>A, p.Asp395Asn (NM_001077186.2); c.1159G>A, p.Asp387Asn (NM_024729.4); c.1159G>A (NM_024729.3); short protein forms D387N, D395N.
Identifiers: ClinVar variation 1050643 (VCV001050643.2), dbSNP rs771031207, ClinGen allele CA9592541.
Genomic context (GRCh38, chr19:50,244,310, plus strand): 5'-CGGATGGTCTCAGCAGTTCTCCAGTTTGGCAACATTGCCTTGAAGAGAGAACGGAACACC[G>A]ATCAAGCCACCATGCCTGACAACACAGGTACTGCCCCCGGCCTGCCTGCCCACGACCTCC-3'
Protein context (NP_001139281.1, residues 385-405): NIALKRERNT[Asp395Asn]QATMPDNTAA